The following is an entry in ClinVar:

NM_000426.4(LAMA2):c.1468-268C>T

Gene: LAMA2 (laminin subunit alpha 2; plus strand). Cytogenetic location: 6q22.33.
Variant type: single nucleotide variant.
Coding change: c.1468-268C>T on transcript NM_000426.4 (MANE Select); 268 bases into the intron before coding-DNA position 1468, C replaced by T.
Molecular consequence: intron variant.
Genome position (GRCh38, 1-based): chr6:129,189,937, C>T. VCF-style: chr6-129189937-C-T. GRCh37 (hg19) VCF-style: chr6-129511082-C-T.
Other names: c.1468-268C>T (NM_001079823.2).
Identifiers: ClinVar variation 673867 (VCV000673867.1), dbSNP rs4397244, ClinGen allele CA12357484.

ClinVar aggregate classification (germline): Likely benign (1 of 4 stars; one submission).

Allele frequency attached by ClinVar (database versions not stated): 1000 Genomes Project 30x 0.00718; 1000 Genomes Project 0.00739; gnomAD 0.01161 and 0.01194; TOPMed 0.01181.
gnomAD v4.1: 1,791 of 152,248 alleles (1.2%); highest among the groups gnomAD compares: Non-Finnish European, 1.9%; 16 homozygotes.

Submission:

GeneDx
Classification: Likely benign. Last evaluated: 2018-06-16. Review status: criteria provided, single submitter. Criteria: GeneDx Variant Classification (06012015). Collection method: clinical testing. Allele origin: germline. Affected: yes.
Comment: This variant is considered likely benign or benign based on one or more of the following criteria: it is a conservative change, it occurs at a poorly conserved position in the protein, it is predicted to be benign by multiple in silico algorithms, and/or has population frequency not consistent with disease.